The following is an entry in ClinVar:

ClinVar aggregate classification (germline): Likely pathogenic (1 of 4 stars; one submission).

Allele frequency attached by ClinVar (database versions not stated): TOPMed below 0.00001; gnomAD 0.00001.

Submission:

GeneDx
Classification: Likely pathogenic. Last evaluated: 2023-05-15. Review status: criteria provided, single submitter. Criteria: GeneDx Variant Classification Process June 2021. Collection method: clinical testing. Allele origin: germline. Affected: yes.
Comment: Not observed at significant frequency in large population cohorts (gnomAD); In silico analysis supports that this missense variant has a deleterious effect on protein structure/function; Has not been previously published as pathogenic or benign to our knowledge; This variant is associated with the following publications: (PMID: 20473311)

NM_001111125.3(IQSEC2):c.2815C>T (p.Arg939Cys)

Gene: IQSEC2 (IQ motif and Sec7 domain ArfGEF 2; minus strand). Cytogenetic location: Xp11.22.
Variant type: single nucleotide variant.
Coding change: c.2815C>T on transcript NM_001111125.3 (MANE Select); coding-DNA position 2815, C replaced by T.
Protein change: p.Arg939Cys; replaces arginine 939 with cysteine.
Molecular consequence: missense variant.
Genome position (GRCh38, 1-based): chrX:53,243,406, G>A on the plus strand (C>T on the coding strand, the complement: IQSEC2 is on the minus strand). VCF-style: chrX-53243406-G-A. GRCh37 (hg19) VCF-style: chrX-53272588-G-A.
Other names: c.2815C>T, p.Arg939Cys (NM_001410736.1); c.2200C>T, p.Arg734Cys (NM_015075.2); short protein forms R734C, R939C.
Identifiers: ClinVar variation 2429567 (VCV002429567.2), dbSNP rs1274777810, ClinGen allele CA413153899.